The following is an entry in ClinVar:

NM_000548.5(TSC2):c.3759del (p.Ser1254fs)

Gene: TSC2 (TSC complex subunit 2; plus strand). Cytogenetic location: 16p13.3.
Variant type: Deletion.
Coding change: c.3759del on transcript NM_000548.5 (MANE Select); coding-DNA position 3759, one base deleted (G; older notation c.3759delG).
Protein change: p.Ser1254fs; shifts the reading frame from serine 1254.
Molecular consequence: frameshift variant.
Genome position (GRCh38, 1-based): chr16:2,081,743, G deleted. VCF-style (leftmost placement, unchanged base first): chr16-2081742-TG-T. GRCh37 (hg19) VCF-style: chr16-2131743-TG-T.
Other names: c.3627del, p.Ser1210fs (NM_001077183.3, NM_001370404.1); c.3759del, p.Ser1254fs (NM_001114382.3); c.3519del, p.Ser1174fs (NM_001318827.2); c.3483del, p.Ser1162fs (NM_001318829.2); c.3027del, p.Ser1010fs (NM_001318831.2); c.3660del, p.Ser1221fs (NM_001318832.2); c.3630del, p.Ser1211fs (NM_001363528.2, NM_001370405.1, NM_021055.3); short protein forms S1174fs, S1210fs, S1254fs, S1162fs, S1010fs, S1221fs, S1211fs.
Identifiers: ClinVar variation 468037 (VCV000468037.7), dbSNP rs1555512497, ClinGen allele CA658656511.

ClinVar aggregate classification (germline): Pathogenic. Review status: criteria provided, multiple submitters, no conflicts (2 of 4 stars). 2 submissions from 2 submitters: Pathogenic (2). Last evaluated 2024-04-16.

Conditions:
Tuberous sclerosis 2 (TSC2). Identifiers: Orphanet 805, MedGen C1860707, MONDO:0013199, OMIM 613254.
Hereditary cancer-predisposing syndrome. Also called: Hereditary neoplastic syndrome; Neoplastic Syndromes, Hereditary; Tumor predisposition; Hereditary Cancer Syndrome. Identifiers: Orphanet 140162, MedGen C0027672, MeSH D009386, MONDO:0015356.

Submissions (2):

Ambry Genetics
Classification: Pathogenic for Hereditary cancer-predisposing syndrome. Last evaluated: 2024-04-16. Review status: criteria provided, single submitter. Criteria: Ambry Variant Classification Scheme 2023. Collection method: clinical testing. Allele origin: germline.
Comment: The c.3759delG pathogenic mutation, located in coding exon 30 of the TSC2 gene, results from a deletion of one nucleotide at nucleotide position 3759, causing a translational frameshift with a predicted alternate stop codon (p.S1254Rfs*71). This variant is considered to be rare based on population cohorts in the Genome Aggregation Database (gnomAD). This alteration is expected to result in loss of function by premature protein truncation or nonsense-mediated mRNA decay. As such, this alteration is interpreted as a disease-causing mutation.

Labcorp Genetics (formerly Invitae), Labcorp
Classification: Pathogenic for Tuberous sclerosis 2. Last evaluated: 2017-07-18. Review status: criteria provided, single submitter. Criteria: Invitae Variant Classification Sherloc (09022015). Collection method: clinical testing. Allele origin: germline.
Comment: For these reasons, this variant has been classified as Pathogenic. Loss-of-function variants in TSC2 are known to be pathogenic (PMID: 10205261, 17304050). This variant has not been reported in the literature in individuals with TSC2-related disease. This variant is not present in population databases (ExAC no frequency). This sequence change creates a premature translational stop signal (p.Ser1254Argfs*71) in the TSC2 gene. It is expected to result in an absent or disrupted protein product.

Literature cited by the submitters: PubMed 10205261 (cited by Labcorp Genetics (formerly Invitae), Labcorp); PubMed 17304050 (cited by Labcorp Genetics (formerly Invitae), Labcorp).